The following is an entry in ClinVar:

NM_001261826.3(AP3D1):c.*145C>T

Gene: AP3D1 (adaptor related protein complex 3 subunit delta 1; minus strand). Cytogenetic location: 19p13.3.
Variant type: single nucleotide variant.
Coding change: c.*145C>T on transcript NM_001261826.3 (MANE Select); 145 bases downstream of the stop codon, C replaced by T.
Molecular consequence: 3 prime UTR variant.
Genome position (GRCh38, 1-based): chr19:2,102,028, G>A on the plus strand (C>T on the coding strand, the complement: AP3D1 is on the minus strand). VCF-style: chr19-2102028-G-A. GRCh37 (hg19) VCF-style: chr19-2102027-G-A.
Other names: c.*145C>T (NM_001374799.1, NM_003938.8).
Identifiers: ClinVar variation 3340975 (VCV003340975.1).

ClinVar aggregate classification (germline): Likely benign (1 of 4 stars; one submission).

gnomAD v4.1: 3,825 of 642,794 alleles (0.6%); highest among the groups gnomAD compares: Middle Eastern, 2.4%; 17 homozygotes.

Submission:

GeneDx
Classification: Likely benign. Last evaluated: 2021-05-16. Review status: criteria provided, single submitter. Criteria: GeneDx Variant Classification Process June 2021. Collection method: clinical testing. Allele origin: germline. Affected: yes.
Comment: See Variant Classification Assertion Criteria.